The following is an entry in ClinVar:

NM_000189.5(HK2):c.2208C>G (p.Pro736=)

Gene: HK2 (hexokinase 2; plus strand). Cytogenetic location: 2p12.
Variant type: single nucleotide variant.
Coding change: c.2208C>G on transcript NM_000189.5 (MANE Select); coding-DNA position 2208, C replaced by G.
Protein change: p.Pro736=; no amino-acid change (proline 736 retained).
Molecular consequence: synonymous variant.
Genome position (GRCh38, 1-based): chr2:74,886,662, C>G. VCF-style: chr2-74886662-C-G. GRCh37 (hg19) VCF-style: chr2-75113789-C-G.
Other names: c.2124C>G, p.Pro708= (NM_001371525.2).
Identifiers: ClinVar variation 3060889 (VCV003060889.2), dbSNP rs2229627, ClinGen allele CA1731653.

ClinVar aggregate classification (germline): Benign (0 of 4 stars; one submission).

Conditions:
HK2-related disorder. Also called: HK2-related condition.

Allele frequency attached by ClinVar (database versions not stated): 1000 Genomes Project 30x 0.51124; TOPMed 0.52721; ESP Exome Variant Server 0.54921; 1000 Genomes Project 0.51757.
gnomAD v4.1: 946,102 of 1,613,306 alleles (59%); highest among the groups gnomAD compares: Middle Eastern, 73%; 279,389 homozygotes.

Submission:

PreventionGenetics, part of Exact Sciences
Classification: Benign for HK2-related condition. Last evaluated: 2019-10-17. Review status: no assertion criteria provided. Collection method: clinical testing. Allele origin: germline.
Comment: This variant is classified as benign based on ACMG/AMP sequence variant interpretation guidelines (Richards et al. 2015 PMID: 25741868, with internal and published modifications).